The following is an entry in ClinVar:

ClinVar aggregate classification (germline): Uncertain significance. Review status: criteria provided, multiple submitters, no conflicts (2 of 4 stars). 2 submissions from 2 submitters: Uncertain significance (2). Last evaluated 2024-04-10.

Conditions:
Multiple congenital anomalies-hypotonia-seizures syndrome 3 (MCAHS3). Also called: GLYCOSYLPHOSPHATIDYLINOSITOL BIOSYNTHESIS DEFECT 7. Identifiers: Orphanet 369837, MedGen C3809356, MONDO:0014165, OMIM 615398.
Inborn genetic diseases. Identifiers: MedGen C0950123, MeSH D030342.

Allele frequency attached by ClinVar (database versions not stated): TOPMed below 0.00001; ExAC 0.00001; gnomAD 0.00001.

Submissions (2):

Labcorp Genetics (formerly Invitae), Labcorp
Classification: Uncertain significance for Multiple congenital anomalies-hypotonia-seizures syndrome 3. Last evaluated: 2024-04-10. Review status: criteria provided, single submitter. Criteria: Invitae Variant Classification Sherloc (09022015). Collection method: clinical testing. Allele origin: germline.
Comment: This sequence change replaces glutamic acid, which is acidic and polar, with lysine, which is basic and polar, at codon 554 of the PIGT protein (p.Glu554Lys). This variant is present in population databases (rs761376924, gnomAD 0.003%). This variant has not been reported in the literature in individuals affected with PIGT-related conditions. ClinVar contains an entry for this variant (Variation ID: 2173239). Advanced modeling of protein sequence and biophysical properties (such as structural, functional, and spatial information, amino acid conservation, physicochemical variation, residue mobility, and thermodynamic stability) performed at Invitae indicates that this missense variant is not expected to disrupt PIGT protein function with a negative predictive value of 80%. In summary, the available evidence is currently insufficient to determine the role of this variant in disease. Therefore, it has been classified as a Variant of Uncertain Significance.

Ambry Genetics
Classification: Uncertain significance for Inborn genetic diseases. Last evaluated: 2022-05-01. Review status: criteria provided, single submitter. Criteria: Ambry Variant Classification Scheme 2023. Collection method: clinical testing. Allele origin: germline.

NM_015937.6(PIGT):c.1660G>A (p.Glu554Lys)

Gene: PIGT (phosphatidylinositol glycan anchor biosynthesis class T; plus strand). Cytogenetic location: 20q13.12.
Variant type: single nucleotide variant.
Coding change: c.1660G>A on transcript NM_015937.6 (MANE Select); coding-DNA position 1660, G replaced by A.
Protein change: p.Glu554Lys; replaces glutamic acid 554 with lysine.
Molecular consequence: missense variant. On other transcripts: non-coding transcript variant (5).
Genome position (GRCh38, 1-based): chr20:45,425,749, G>A. VCF-style: chr20-45425749-G-A. GRCh37 (hg19) VCF-style: chr20-44054389-G-A.
Other names: c.1660G>A (NM_015937.4); c.1492G>A, p.Glu498Lys (NM_001184728.3); c.1459G>A, p.Glu487Lys (NM_001184729.3); c.1354G>A, p.Glu452Lys (NM_001184730.3); short protein forms E452K, E487K, E498K, E554K.
Identifiers: ClinVar variation 2173239 (VCV002173239.5), dbSNP rs761376924, ClinGen allele CA9878349.